The following is an entry in ClinVar:

NM_004211.5(SLC6A5):c.1171G>A (p.Glu391Lys)

Gene: SLC6A5 (solute carrier family 6 member 5; plus strand). Cytogenetic location: 11p15.1.
Variant type: single nucleotide variant.
Coding change: c.1171G>A on transcript NM_004211.5 (MANE Select); coding-DNA position 1171, G replaced by A.
Protein change: p.Glu391Lys; replaces glutamic acid 391 with lysine.
Molecular consequence: missense variant.
Genome position (GRCh38, 1-based): chr11:20,617,795, G>A. VCF-style: chr11-20617795-G-A. GRCh37 (hg19) VCF-style: chr11-20639341-G-A.
Other names: c.469G>A, p.Glu157Lys (NM_001318369.2); c.1171G>A (NM_004211.3); short protein forms E157K, E391K.
Identifiers: ClinVar variation 1025839 (VCV001025839.7), dbSNP rs752068841, ClinGen allele CA5921344.
Genomic context (GRCh38, chr11:20,617,795, plus strand): 5'-CTCCCTCCAACTCTCAGGTACTTTGTGCTGAAGATTTCTGCAGGGATTGAATATCCTGGC[G>A]AGATCAGGTGGCCACTAGCTCTCTGCCTCTTCCTGGCTTGGGTCATTGTGTATGCATCAT-3'
Protein context (NP_004202.4, residues 381-401): KISAGIEYPG[Glu391Lys]IRWPLALCLF

ClinVar aggregate classification (germline): Uncertain significance. Review status: criteria provided, multiple submitters, no conflicts (2 of 4 stars). 2 submissions from 2 submitters: Uncertain significance (2). Last evaluated 2025-08-28.

Conditions:
Inborn genetic diseases. Identifiers: MedGen C0950123, MeSH D030342.
Hyperekplexia 3 (HKPX3). Also called: HYPEREKPLEXIA 3, AUTOSOMAL RECESSIVE; HYPEREKPLEXIA 3, AUTOSOMAL DOMINANT. Identifiers: Orphanet 3197, MedGen C3553288, MONDO:0013827, OMIM 614618.

Allele frequency attached by ClinVar (database versions not stated): gnomAD 0.00001; gnomAD exomes 0.00001 and 0.00004; ExAC 0.00002; TOPMed 0.00002.
gnomAD v4.1: 17 of 1,614,144 alleles (0.0011%); highest among the groups gnomAD compares: Admixed American, 0.02%; no homozygotes.

Submissions (2):

Ambry Genetics
Classification: Uncertain significance for Inborn genetic diseases. Last evaluated: 2025-08-28. Review status: criteria provided, single submitter. Criteria: Ambry Variant Classification Scheme 2023. Collection method: clinical testing. Allele origin: germline.

Labcorp Genetics (formerly Invitae), Labcorp
Classification: Uncertain significance for Hyperekplexia 3. Last evaluated: 2022-05-31. Review status: criteria provided, single submitter. Criteria: Invitae Variant Classification Sherloc (09022015). Collection method: clinical testing. Allele origin: germline.
Comment: This sequence change replaces glutamic acid, which is acidic and polar, with lysine, which is basic and polar, at codon 391 of the SLC6A5 protein (p.Glu391Lys). This variant is present in population databases (rs752068841, gnomAD 0.03%). This variant has not been reported in the literature in individuals affected with SLC6A5-related conditions. ClinVar contains an entry for this variant (Variation ID: 1025839). Advanced modeling of protein sequence and biophysical properties (such as structural, functional, and spatial information, amino acid conservation, physicochemical variation, residue mobility, and thermodynamic stability) performed at Invitae indicates that this missense variant is not expected to disrupt SLC6A5 protein function. In summary, the available evidence is currently insufficient to determine the role of this variant in disease. Therefore, it has been classified as a Variant of Uncertain Significance.